The following is an entry in ClinVar:

ClinVar aggregate classification (germline): Conflicting classifications of pathogenicity. Review status: criteria provided, conflicting classifications (1 of 4 stars). 11 submissions from 11 submitters: Uncertain significance (6); Benign (1); Likely benign (3). 1 of the submissions does not count toward it. Last evaluated 2026-08-01.

Conditions:
DNAAF1-related disorder. Also called: DNAAF1-related condition.
Primary ciliary dyskinesia. Also called: Ciliary dyskinesia. Identifiers: Orphanet 244, MedGen C0008780, MONDO:0016575, HP:0012265.
Primary ciliary dyskinesia 13. Also called: CILIARY DYSKINESIA, PRIMARY, 13, WITH OR WITHOUT SITUS INVERSUS. Identifiers: Orphanet 244, MedGen C2750790, MONDO:0013174, OMIM 613193.

Allele frequency attached by ClinVar (database versions not stated): 1000 Genomes Project 30x 0.00031; gnomAD 0.00082 and 0.00085; ESP Exome Variant Server 0.00146; 1000 Genomes Project 0.00040; gnomAD exomes 0.00076; ExAC 0.00081.
gnomAD v4.1: 2,118 of 1,612,856 alleles (0.13%); highest among the groups gnomAD compares: Non-Finnish European, 0.16%; 1 homozygote.

Submissions (11):

CeGaT Center for Human Genetics Tuebingen
Classification: Likely benign. Last evaluated: 2026-08-01. Review status: criteria provided, single submitter. Criteria: CeGaT Center For Human Genetics Tuebingen Variant Classification Criteria Version 2. Collection method: clinical testing. Allele origin: germline. Affected: yes. Observed: 2 variant alleles.
Comment: DNAAF1: BP4

Ambry Genetics
Classification: Benign for Primary ciliary dyskinesia. Last evaluated: 2024-12-20. Review status: criteria provided, single submitter. Criteria: Ambry Variant Classification Scheme 2023. Collection method: clinical testing. Allele origin: germline.

Blueprint Genetics
Classification: Likely benign. Last evaluated: 2024-10-03. Review status: criteria provided, single submitter. Criteria: ACMG Guidelines, 2015. Collection method: clinical testing. Allele origin: germline.

Molecular Genetics McLendon Clinical Laboratories, University of North Carolina at Chapel Hill
Classification: Uncertain significance for Primary ciliary dyskinesia. Last evaluated: 2022-09-22. Review status: criteria provided, single submitter. Criteria: ACMG Guidelines, 2015. Collection method: clinical testing. Allele origin: germline.

ARUP Laboratories, Molecular Genetics and Genomics, ARUP Laboratories
Classification: Likely benign for Primary ciliary dyskinesia 13. Last evaluated: 2022-09-16. Review status: criteria provided, single submitter. Criteria: ARUP Molecular Germline Variant Investigation Process 2021. Collection method: clinical testing. Allele origin: germline.

Labcorp Genetics (formerly Invitae), Labcorp
Classification: Uncertain significance for Primary ciliary dyskinesia. Last evaluated: 2022-08-21. Review status: criteria provided, single submitter. Criteria: Invitae Variant Classification Sherloc (09022015). Collection method: clinical testing. Allele origin: germline.
Comment: This sequence change replaces proline, which is neutral and non-polar, with threonine, which is neutral and polar, at codon 452 of the DNAAF1 protein (p.Pro452Thr). This variant is present in population databases (rs145680314, gnomAD 0.2%), including at least one homozygous and/or hemizygous individual. This variant has not been reported in the literature in individuals affected with DNAAF1-related conditions. ClinVar contains an entry for this variant (Variation ID: 216831). Algorithms developed to predict the effect of missense changes on protein structure and function are either unavailable or do not agree on the potential impact of this missense change (SIFT: "Tolerated"; PolyPhen-2: "Possibly Damaging"; Align-GVGD: "Class C0"). In summary, the available evidence is currently insufficient to determine the role of this variant in disease. Therefore, it has been classified as a Variant of Uncertain Significance.

GeneDx
Classification: Uncertain significance. Last evaluated: 2022-07-14. Review status: criteria provided, single submitter. Criteria: GeneDx Variant Classification Process June 2021. Collection method: clinical testing. Allele origin: germline. Affected: yes.
Comment: In silico analysis supports that this missense variant does not alter protein structure/function; Has not been previously published as pathogenic or benign to our knowledge

UNC Molecular Genetics  Laboratory, University of North Carolina at Chapel Hill
Classification: Uncertain significance for Primary ciliary dyskinesia. Last evaluated: 2021-03-02. Review status: criteria provided, single submitter. Criteria: ACMG Guidelines, 2015. Collection method: clinical testing. Allele origin: germline. Observed: 1 heterozygote.

Laboratory for Molecular Medicine, Mass General Brigham Personalized Medicine
Classification: Uncertain significance. Last evaluated: 2019-07-26. Review status: criteria provided, single submitter. Criteria: LMM Criteria. Collection method: clinical testing. Allele origin: germline. Observed: 1 variant allele.
Comment: Variant classified as Uncertain Significance - Favor Benign. The p.Pro452Thr variant in DNAAF1 has not been previously reported in individuals with primary ciliary dyskinesia but has been reported in ClinVar (Variation ID 216831). It has also been identified in 0.13% (171/128786) of European chromosomes and in 0.15% (16/10346) of Ashkenazi Jewish chromosomes by gnomAD. Computational prediction tools and conservation analysis suggest that this variant may not impact the protein, though this information is not predictive enough to rule out pathogenicity. In summary, while the clinical significance of this variant is uncertain, these data suggest that it is more likely to be benign. ACMG/AMP Criteria applied: BP4.

Illumina Laboratory Services, Illumina
Classification: Uncertain significance for Primary ciliary dyskinesia 13. Last evaluated: 2018-01-13. Review status: criteria provided, single submitter. Criteria: ICSL Variant Classification Criteria 13 December 2019. Collection method: clinical testing. Allele origin: germline.

PreventionGenetics, part of Exact Sciences
Classification: Likely benign for DNAAF1-related condition. Last evaluated: 2022-01-31. Review status: no assertion criteria provided. Collection method: clinical testing. Allele origin: germline. Not counted in ClinVar's aggregate classification.
Comment: This variant is classified as likely benign based on ACMG/AMP sequence variant interpretation guidelines (Richards et al. 2015 PMID: 25741868, with internal and published modifications).

NM_178452.6(DNAAF1):c.1354C>A (p.Pro452Thr)

Gene: DNAAF1 (dynein axonemal assembly factor 1; plus strand). Cytogenetic location: 16q24.1.
Variant type: single nucleotide variant.
Coding change: c.1354C>A on transcript NM_178452.6 (MANE Select); coding-DNA position 1354, C replaced by A.
Protein change: p.Pro452Thr; replaces proline 452 with threonine.
Molecular consequence: missense variant.
Genome position (GRCh38, 1-based): chr16:84,170,182, C>A. VCF-style: chr16-84170182-C-A. GRCh37 (hg19) VCF-style: chr16-84203788-C-A.
Other names: c.1354C>A (NM_178452.5); c.646C>A, p.Pro216Thr (NM_001318756.1); short protein forms P452T, P216T.
Identifiers: ClinVar variation 216831 (VCV000216831.31), dbSNP rs145680314, ClinGen allele CA337003.